The following is an entry in ClinVar:

NM_000059.4(BRCA2):c.3742del (p.Ser1248fs)

Gene: BRCA2 (BRCA2 DNA repair associated; plus strand). Cytogenetic location: 13q13.1.
Variant type: Deletion.
Coding change: c.3742del on transcript NM_000059.4 (MANE Select); coding-DNA position 3742, one base deleted (A; older notation c.3742delA).
Protein change: p.Ser1248fs; shifts the reading frame from serine 1248.
Molecular consequence: frameshift variant. On other transcripts: non-coding transcript variant (1), intron variant (2).
Genome position (GRCh38, 1-based): chr13:32,338,097, A deleted. VCF-style (leftmost placement, unchanged base first): chr13-32338096-TA-T. GRCh37 (hg19) VCF-style: chr13-32912233-TA-T.
Other names: c.3742del, p.Ser1248fs (NM_001406719.1, NM_001406720.1); c.1909+4710del (NM_001406721.1); c.425-6461del (NM_001406722.1); short protein forms S1248fs.
Identifiers: ClinVar variation 2809667 (VCV002809667.4), dbSNP rs2548526784, ClinGen allele CA2739277536.

ClinVar aggregate classification (germline): Pathogenic. Review status: criteria provided, multiple submitters, no conflicts (2 of 4 stars). 2 submissions from 2 submitters: Pathogenic (2). Last evaluated 2026-01-02.

Conditions:
Hereditary cancer-predisposing syndrome. Also called: Tumor predisposition; Neoplastic Syndromes, Hereditary; Hereditary Cancer Syndrome; Hereditary neoplastic syndrome. Identifiers: Orphanet 140162, MedGen C0027672, MeSH D009386, MONDO:0015356.
Hereditary breast ovarian cancer syndrome. Also called: Hereditary breast and ovarian cancer syndrome; Hereditary breast and ovarian cancer; Hereditary breast and/or ovarian cancer syndrome; BRCA1- and BRCA2-Associated Hereditary Breast and Ovarian Cancer; Breast and ovarian cancer; Hereditary breast and ovarian cancer syndrome (HBOC). Identifiers: Orphanet 145, MedGen C0677776, MeSH D061325, MONDO:0003582. Disease mechanism: loss of function.

Submissions (2):

Ambry Genetics
Classification: Pathogenic for Hereditary cancer-predisposing syndrome. Last evaluated: 2026-01-02. Review status: criteria provided, single submitter. Criteria: Ambry Variant Classification Scheme 2023. Collection method: clinical testing. Allele origin: germline.
Comment: The c.3742delA pathogenic mutation, located in coding exon 10 of the BRCA2 gene, results from a deletion of one nucleotide at nucleotide position 3742, causing a translational frameshift with a predicted alternate stop codon (p.S1248Vfs*11). This variant is considered to be rare based on population cohorts in the Genome Aggregation Database (gnomAD). This alteration is expected to result in loss of function by premature protein truncation or nonsense-mediated mRNA decay. As such, this alteration is interpreted as a disease-causing mutation.

Labcorp Genetics (formerly Invitae), Labcorp
Classification: Pathogenic for Hereditary breast ovarian cancer syndrome. Last evaluated: 2023-07-07. Review status: criteria provided, single submitter. Criteria: Invitae Variant Classification Sherloc (09022015). Collection method: clinical testing. Allele origin: germline.
Comment: For these reasons, this variant has been classified as Pathogenic. This variant has not been reported in the literature in individuals affected with BRCA2-related conditions. This sequence change creates a premature translational stop signal (p.Ser1248Valfs*11) in the BRCA2 gene. It is expected to result in an absent or disrupted protein product. Loss-of-function variants in BRCA2 are known to be pathogenic (PMID: 20104584). This variant is not present in population databases (gnomAD no frequency).

Literature cited by the submitters: PubMed 20104584 (cited by Labcorp Genetics (formerly Invitae), Labcorp).